The following is an entry in ClinVar:

ClinVar aggregate classification (germline): Uncertain significance (1 of 4 stars; one submission).

Conditions:
Familial melanoma. Also called: Hereditary melanoma; Hereditary cutaneous melanoma. Identifiers: Orphanet 618, MedGen C1512419, MONDO:0018961.

Submission:

Labcorp Genetics (formerly Invitae), Labcorp
Classification: Uncertain significance for Familial melanoma. Last evaluated: 2018-09-25. Review status: criteria provided, single submitter. Criteria: Invitae Variant Classification Sherloc (09022015). Collection method: clinical testing. Allele origin: germline.
Comment: This variant has not been reported in the literature in individuals with CDKN2A (p16INK4a)-related disease. In summary, the available evidence is currently insufficient to determine the role of this variant in disease. Therefore, it has been classified as a Variant of Uncertain Significance. Algorithms developed to predict the effect of sequence changes on RNA splicing suggest that this variant may create or strengthen a splice site, but this prediction has not been confirmed by published transcriptional studies. Algorithms developed to predict the effect of missense changes on protein structure and function are either unavailable or do not agree on the potential impact of this missense change (SIFT: "Deleterious"; PolyPhen-2: "Probably Damaging"; Align-GVGD: "Class C0"). This variant is not present in population databases (ExAC no frequency). This sequence change replaces asparagine with lysine at codon 42 of the CDKN2A (p16INK4a) protein (p.Asn42Lys). The asparagine residue is moderately conserved and there is a moderate physicochemical difference between asparagine and lysine.

NM_000077.5(CDKN2A):c.126T>G (p.Asn42Lys)

Gene: CDKN2A (cyclin dependent kinase inhibitor 2A; minus strand). Cytogenetic location: 9p21.3.
Variant type: single nucleotide variant.
Coding change: c.126T>G on transcript NM_000077.5; coding-DNA position 126, T replaced by G.
Protein change: p.Asn42Lys; replaces asparagine 42 with lysine.
Molecular consequence: missense variant (on NM_000077.6). On other transcripts: intron variant (2).
Genome position (GRCh38, 1-based): chr9:21,974,702, A>C on the plus strand (T>G on the coding strand, the complement: CDKN2A is on the minus strand). VCF-style: chr9-21974702-A-C. GRCh37 (hg19) VCF-style: chr9-21974701-A-C.
Other names: c.126T>G, p.Asn42Lys (NM_000077.6, NM_001195132.2, NM_058197.5); c.-3-3494T>G (NM_001363763.2); c.194-3494T>G (NM_058195.4); short protein forms N42K.
Identifiers: ClinVar variation 664863 (VCV000664863.8), dbSNP rs1587339638, ClinGen allele CA373086520.